The following is an entry in ClinVar:

ClinVar aggregate classification (germline): Uncertain significance (1 of 4 stars; one submission).

Submission:

Labcorp Genetics (formerly Invitae), Labcorp
Classification: Uncertain significance. Last evaluated: 2021-09-28. Review status: criteria provided, single submitter. Criteria: Invitae Variant Classification Sherloc (09022015). Collection method: clinical testing. Allele origin: germline.
Comment: This variant has not been reported in the literature in individuals affected with ADGRA3-related conditions. In summary, the available evidence is currently insufficient to determine the role of this variant in disease. Therefore, it has been classified as a Variant of Uncertain Significance. Variants that disrupt the consensus splice site are a relatively common cause of aberrant splicing (PMID: 17576681, 9536098). Algorithms developed to predict the effect of sequence changes on RNA splicing suggest that this variant may create or strengthen a splice site. This variant is not present in population databases (ExAC no frequency). This sequence change falls in intron 10 of the ADGRA3 gene. It does not directly change the encoded amino acid sequence of the ADGRA3 protein. It affects a nucleotide within the consensus splice site of the intron.

Literature cited by the submitters: PubMed 17576681; PubMed 9536098.

NM_145290.4(ADGRA3):c.1444-3T>C

Gene: ADGRA3 (adhesion G protein-coupled receptor A3; minus strand). Cytogenetic location: 4p15.2.
Variant type: single nucleotide variant.
Coding change: c.1444-3T>C on transcript NM_145290.4 (MANE Select); 3 bases into the intron before coding-DNA position 1444, T replaced by C.
Molecular consequence: intron variant.
Genome position (GRCh38, 1-based): chr4:22,424,355, A>G on the plus strand (T>C on the coding strand, the complement: ADGRA3 is on the minus strand). VCF-style: chr4-22424355-A-G. GRCh37 (hg19) VCF-style: chr4-22425978-A-G.
Identifiers: ClinVar variation 1483097 (VCV001483097.6), dbSNP rs2109041695, ClinGen allele CA2573137596.